The following is an entry in ClinVar:

ClinVar aggregate classification (germline): Likely benign (1 of 4 stars; one submission).

Conditions:
Koolen-de Vries syndrome (KDVS). Identifiers: Orphanet 96169, MedGen C1864871, MONDO:0012496, OMIM 610443.

Allele frequency attached by ClinVar (database versions not stated): TOPMed below 0.00001; gnomAD 0.00001.
gnomAD v4.1: 1 of 1,553,162 alleles (0.000064%); highest among the groups gnomAD compares: African/African-American, 0.0014%; no homozygotes.

Submission:

Victorian Clinical Genetics Services, Murdoch Childrens Research Institute
Classification: Likely benign for Koolen-de Vries syndrome. Last evaluated: 2020-10-19. Review status: criteria provided, single submitter. Criteria: ACMG Guidelines, 2015. Collection method: clinical testing. Allele origin: germline. Inheritance: Autosomal dominant inheritance. Affected: yes.
Comment: Based on the classification scheme VCGS_Germline_v1.3.3, this variant is classified as Likely Benign. Following criteria are met: 0102 - Loss of function is a known mechanism of disease in this gene and is associated with Koolen-De Vries syndrome (MIM#610443). (I) 0107 - This gene is associated with autosomal dominant disease. (I) 0200 - Variant is predicted to result in a missense amino acid change from lysine to glutamic acid. (I) 0251 - This variant is heterozygous. (I) 0302 - Variant is present in gnomAD (v2) <0.001 for a dominant condition (1 heterozygote, 0 homozygotes). (SP) 0503 - Missense variant consistently predicted to be tolerated by multiple in silico tools or not conserved in placental mammals with a minor amino acid change. (SB) 0604 - Variant is not located in an established domain, motif, hotspot or informative constraint region. (I) 0705 - No comparable missense variants in the same codon have previous evidence for pathogenicity. (I) 0807 - This variant has no previous evidence of pathogenicity. (I) 0905 - No published segregation evidence has been identified for this variant. (I) 1007 - No published functional evidence has been identified for this variant. (I) Legend: (SP) - Supporting pathogenic, (I) - Information, (SB) - Supporting benign

NM_015443.4(KANSL1):c.487A>G (p.Lys163Glu)

Gene: KANSL1 (KAT8 regulatory NSL complex subunit 1). Cytogenetic location: 17q21.31.
Variant type: single nucleotide variant.
Coding change: c.487A>G on transcript NM_015443.4 (MANE Select); coding-DNA position 487, A replaced by G.
Protein change: p.Lys163Glu; replaces lysine 163 with glutamic acid.
Molecular consequence: missense variant.
Genome position (GRCh38, 1-based): chr17:46,171,657, T>C on the plus strand (A>G on the coding strand, the complement: KANSL1 is on the minus strand). VCF-style: chr17-46171657-T-C. GRCh37 (hg19) VCF-style: chr17-44249023-T-C.
Other names: c.487A>G, p.Lys163Glu (NM_001405881.1, NM_001193465.2, NM_001193466.2 and 18 more transcripts); short protein forms K163E.
Identifiers: ClinVar variation 1806130 (VCV001806130.1), dbSNP rs1000198248, ClinGen allele CA291114842.